The following is an entry in ClinVar:

NM_016222.4(DDX41):c.304A>G (p.Lys102Glu)

Gene: DDX41 (DEAD-box helicase 41; minus strand). Cytogenetic location: 5q35.3.
Variant type: single nucleotide variant.
Coding change: c.304A>G on transcript NM_016222.4 (MANE Select); coding-DNA position 304, A replaced by G.
Protein change: p.Lys102Glu; replaces lysine 102 with glutamic acid.
Molecular consequence: missense variant. On other transcripts: 5 prime UTR variant (2).
Genome position (GRCh38, 1-based): chr5:177,516,188, T>C on the plus strand (A>G on the coding strand, the complement: DDX41 is on the minus strand). VCF-style: chr5-177516188-T-C. GRCh37 (hg19) VCF-style: chr5-176943189-T-C.
Other names: c.-75A>G (NM_001321732.2, NM_001321830.2); short protein forms K102E.
Identifiers: ClinVar variation 4869687 (VCV004869687.1).

ClinVar aggregate classification (germline): Uncertain significance (1 of 4 stars; one submission).

Conditions:
Inborn genetic diseases. Identifiers: MedGen C0950123, MeSH D030342.

Submission:

Ambry Genetics
Classification: Uncertain significance for Inborn genetic diseases. Last evaluated: 2026-05-23. Review status: criteria provided, single submitter. Criteria: Ambry Variant Classification Scheme 2023. Collection method: clinical testing. Allele origin: germline.
Comment: The p.K102E variant (also known as c.304A>G), located in coding exon 4 of the DDX41 gene, results from an A to G substitution at nucleotide position 304. The lysine at codon 102 is replaced by glutamic acid, an amino acid with similar properties. This amino acid position is conserved. In addition, the in silico prediction for this alteration is inconclusive. Based on the available evidence, the clinical significance of this variant remains unclear.